The following is an entry in ClinVar:

ClinVar aggregate classification (germline): Uncertain significance. Review status: criteria provided, multiple submitters, no conflicts (2 of 4 stars). 2 submissions from 2 submitters: Uncertain significance (2). Last evaluated 2026-07-29.

Conditions:
Adult-onset proximal spinal muscular atrophy, autosomal dominant. Also called: FINKEL LATE-ADULT TYPE SMA; Spinal muscular atrophy, late-onset, finkel type. Identifiers: Orphanet 209335, MedGen C1854058, MONDO:0008453, OMIM 182980.
Amyotrophic lateral sclerosis type 8 (ALS8). Identifiers: Orphanet 803, MedGen C1837728, MONDO:0012077, OMIM 608627.
VAPB-related disorder. Also called: VAPB-related condition.

gnomAD v4.1: 30 of 1,614,022 alleles (0.0019%); highest among the groups gnomAD compares: African/African-American, 0.0027%; no homozygotes.

Submissions (2):

PreventionGenetics, part of Exact Sciences
Classification: Uncertain significance for VAPB-related condition. Last evaluated: 2026-07-29. Review status: criteria provided, single submitter. Criteria: ACMG Guidelines, 2015. Collection method: clinical testing. Allele origin: germline.
Comment: The VAPB c.113G>A variant is predicted to result in the amino acid substitution p.Arg38Gln. To our knowledge, this variant has not been reported in the literature. This variant is reported in 0.0040% of alleles in individuals of African descent in gnomAD. At this time, the clinical significance of this variant is uncertain due to the absence of conclusive functional and genetic evidence.

Labcorp Genetics (formerly Invitae), Labcorp
Classification: Uncertain significance for Adult-onset proximal spinal muscular atrophy, autosomal dominant; Amyotrophic lateral sclerosis type 8. Last evaluated: 2024-06-25. Review status: criteria provided, single submitter. Criteria: Invitae Variant Classification Sherloc (09022015). Collection method: clinical testing. Allele origin: germline.
Comment: This sequence change replaces arginine, which is basic and polar, with glutamine, which is neutral and polar, at codon 38 of the VAPB protein (p.Arg38Gln). This variant is present in population databases (no rsID available, gnomAD 0.004%). This variant has not been reported in the literature in individuals affected with VAPB-related conditions. Advanced modeling of protein sequence and biophysical properties (such as structural, functional, and spatial information, amino acid conservation, physicochemical variation, residue mobility, and thermodynamic stability) performed at Invitae indicates that this missense variant is not expected to disrupt VAPB protein function with a negative predictive value of 80%. In summary, the available evidence is currently insufficient to determine the role of this variant in disease. Therefore, it has been classified as a Variant of Uncertain Significance.

NM_004738.5(VAPB):c.113G>A (p.Arg38Gln)

Gene: VAPB (VAMP associated protein B and C; plus strand). Cytogenetic location: 20q13.32.
Variant type: single nucleotide variant.
Coding change: c.113G>A on transcript NM_004738.5 (MANE Select); coding-DNA position 113, G replaced by A.
Protein change: p.Arg38Gln; replaces arginine 38 with glutamine.
Molecular consequence: missense variant. On other transcripts: non-coding transcript variant (1).
Genome position (GRCh38, 1-based): chr20:58,418,265, G>A. VCF-style: chr20-58418265-G-A. GRCh37 (hg19) VCF-style: chr20-56993321-G-A.
Other names: c.113G>A, p.Arg38Gln (NM_001195677.2); short protein forms R38Q.
Identifiers: ClinVar variation 3354276 (VCV003354276.4).
Genomic context (GRCh38, chr20:58,418,265, plus strand): 5'-CTACAGGTCCCTTCACCGATGTTGTCACCACCAACCTAAAGCTTGGCAACCCGACAGACC[G>A]AAATGTGTGTTTTAAGGTGAAGACTACAGCACCACGTAGGTACTGTGTGAGGCCCAACAG-3'
Protein context (NP_004729.1, residues 28-48): TNLKLGNPTD[Arg38Gln]NVCFKVKTTA